The following is an entry in ClinVar:

NM_000289.6(PFKM):c.283C>T (p.Arg95Ter)

Gene: PFKM (phosphofructokinase, muscle; plus strand). Cytogenetic location: 12q13.11.
Variant type: single nucleotide variant.
Coding change: c.283C>T on transcript NM_000289.6 (MANE Select); coding-DNA position 283, C replaced by T.
Protein change: p.Arg95Ter; replaces arginine 95 with a stop codon.
Molecular consequence: nonsense. On other transcripts: non-coding transcript variant (6).
Genome position (GRCh38, 1-based): chr12:48,132,913, C>T. VCF-style: chr12-48132913-C-T. GRCh37 (hg19) VCF-style: chr12-48526696-C-T.
Other names: c.283C>T, p.Arg95Ter (NM_001166687.2, NM_001166688.2, NM_001354742.2 and 4 more transcripts); c.592C>T, p.Arg198Ter (NM_001354735.1, NM_001354736.1); c.496C>T, p.Arg166Ter (NM_001354737.1, NM_001354738.1, NM_001354739.1 and 1 more transcripts); c.427C>T, p.Arg143Ter (NM_001354740.1); c.307C>T, p.Arg103Ter (NM_001354741.2); c.196C>T, p.Arg66Ter (NM_001354745.2); c.133C>T, p.Arg45Ter (NM_001354747.2, NM_001354748.2); short protein forms R95*, R166*, R143*, R198*, R45*, R103*, R66*.
Identifiers: ClinVar variation 1158 (VCV000001158.20), dbSNP rs121918195, ClinGen allele CA114806.

ClinVar aggregate classification (germline): Pathogenic/Likely pathogenic. Review status: criteria provided, multiple submitters, no conflicts (2 of 4 stars). 7 submissions from 7 submitters: Pathogenic (4); Likely pathogenic (2). 1 of the submissions does not count toward it. Last evaluated 2026-01-26.

Conditions:
Glycogen storage disease, type VII (GSD7). Also called: GSD VII; TARUI DISEASE; MUSCLE PHOSPHOFRUCTOKINASE DEFICIENCY; PFKM DEFICIENCY. Identifiers: Orphanet 371, MedGen C0017926, MONDO:0009295, OMIM 232800.

Allele frequency attached by ClinVar (database versions not stated): gnomAD exomes below 0.00001; TOPMed 0.00001.
gnomAD v4.1: 10 of 1,614,076 alleles (0.00062%); highest among the groups gnomAD compares: East Asian, 0.0045%; no homozygotes.

Submissions (7):

Natera, Inc.
Classification: Pathogenic for Glycogen storage disease type VII. Last evaluated: 2026-01-26. Review status: criteria provided, single submitter. Criteria: Natera Variant Classification Schema (03/2026). Collection method: clinical testing. Allele origin: germline.
Comment: The c.283C>T variant in PFKM is a nonsense variant predicted to introduce a stop codon at amino acid 95. This variant is expected to result in nonsense mediated decay, truncation, or a dysfunctional protein product. This variant is rare in the general population with a frequency below the threshold expected for the associated phenotype(s). This variant has been observed in one or more individuals affected with the associated recessive disease, as either homozygous or compound heterozygous with a second variant (PMID: 7479776). Additionally, this variant has been observed to segregate in affected family members (PMID: 7479776). Given the available evidence, this variant is classified as Pathogenic.

Myriad Genetics, Inc.
Classification: Pathogenic for Glycogen storage disease, type VII. Last evaluated: 2024-05-14. Review status: criteria provided, single submitter. Criteria: Myriad Autosomal Dominant, Autosomal Recessive and X-Linked Classification Criteria (2023). Collection method: clinical testing. Allele origin: unknown.
Comment: NM_001166686.1(PFKM):c.496C>T(R166*) is expected to be pathogenic in the context of glycogen storage disease, PFKM-related. This variant is predicted to lead to an abnormal or absent protein product due to the creation of a premature termination codon in PFKM, a gene where loss-of-function variants are known to be pathogenic. Please note: this variant was assessed in the context of healthy population screening.

Fulgent Genetics
Classification: Likely pathogenic for Glycogen storage disease, type VII. Last evaluated: 2024-04-27. Review status: criteria provided, single submitter. Criteria: ACMG Guidelines, 2015. Collection method: clinical testing. Allele origin: germline.

Labcorp Genetics (formerly Invitae), Labcorp
Classification: Pathogenic for Glycogen storage disease, type VII. Last evaluated: 2024-02-29. Review status: criteria provided, single submitter. Criteria: Invitae Variant Classification Sherloc (09022015). Collection method: clinical testing. Allele origin: germline.
Comment: This sequence change creates a premature translational stop signal (p.Arg95*) in the PFKM gene. It is expected to result in an absent or disrupted protein product. Loss-of-function variants in PFKM are known to be pathogenic (PMID: 7825568, 8037209). The frequency data for this variant in the population databases is considered unreliable, as metrics indicate poor data quality at this position in the gnomAD database. This premature translational stop signal has been observed in individual(s) with glycogen storage disease type VII (PMID: 7479776). ClinVar contains an entry for this variant (Variation ID: 1158). For these reasons, this variant has been classified as Pathogenic.

Juno Genomics, Hangzhou Juno Genomics, Inc
Classification: Pathogenic for Glycogen storage disease, type VII. Review status: criteria provided, single submitter. Criteria: ACMG Guidelines, 2015. Collection method: clinical testing. Allele origin: germline.
Comment: Absent from controls (or at extremely low frequency if recessive) in Genome Aggregation Database.;Null variant in a gene where loss of function (LOF) is a known mechanism of disease.;For recessive disorders, detected in trans with a pathogenic variant.

UNC Molecular Genetics  Laboratory, University of North Carolina at Chapel Hill
Classification: Likely pathogenic for Glycogen storage disease, type VII. Review status: criteria provided, single submitter. Criteria: ACMG Guidelines, 2015. Collection method: research. Allele origin: germline. Affected: no. Observed: 1 variant allele. Study: NSIGHT-NC NEXUS.
Comment: The PFKM c.496C>T (p.R166*) nonsense variant is predicted to result in an absent or aberrant protein. This variant was previously reported in the homozygous state in one mother and in her two daughters affected with glycogen storage disease type VII (PMID: 7479776).

carrier finding

OMIM
Classification: Pathogenic for GLYCOGEN STORAGE DISEASE VII. Last evaluated: 1995-10-24. Review status: no assertion criteria provided. Collection method: literature only. Allele origin: germline. Not counted in ClinVar's aggregate classification.

Literature cited by the submitters: PubMed 7479776 (cited by 4 submitters); PubMed 7825568 (cited by Labcorp Genetics (formerly Invitae), Labcorp); PubMed 8037209 (cited by Labcorp Genetics (formerly Invitae), Labcorp).